The following is an entry in ClinVar:

ClinVar aggregate classification (germline): Likely benign. Review status: criteria provided, multiple submitters, no conflicts (2 of 4 stars). 3 submissions from 3 submitters: Likely benign (2). 1 of the submissions does not count toward it. Last evaluated 2025-03-09.

Conditions:
PDGFRA-related disorder. Also called: PDGFRA-related condition.
Hereditary cancer-predisposing syndrome. Also called: Tumor predisposition; Hereditary neoplastic syndrome; Neoplastic Syndromes, Hereditary; Hereditary Cancer Syndrome. Identifiers: Orphanet 140162, MedGen C0027672, MeSH D009386, MONDO:0015356.
Gastrointestinal stromal tumor. Also called: Gastrointestinal stroma tumor; Gastrointestinal stromal tumor, somatic. Identifiers: Orphanet 44890, MedGen C0238198, MeSH D046152, MONDO:0011719, OMIM 606764, HP:0100723.

Submissions (3):

Labcorp Genetics (formerly Invitae), Labcorp
Classification: Likely benign for Gastrointestinal stromal tumor. Last evaluated: 2025-03-09. Review status: criteria provided, single submitter. Criteria: Invitae Variant Classification Sherloc (09022015). Collection method: clinical testing. Allele origin: germline.

Ambry Genetics
Classification: Likely benign for Hereditary cancer-predisposing syndrome. Last evaluated: 2023-05-13. Review status: criteria provided, single submitter. Criteria: Ambry Variant Classification Scheme 2023. Collection method: clinical testing. Allele origin: germline.

PreventionGenetics, part of Exact Sciences
Classification: Likely benign for PDGFRA-related condition. Last evaluated: 2023-03-31. Review status: no assertion criteria provided. Collection method: clinical testing. Allele origin: germline. Not counted in ClinVar's aggregate classification.
Comment: This variant is classified as likely benign based on ACMG/AMP sequence variant interpretation guidelines (Richards et al. 2015 PMID: 25741868, with internal and published modifications).

NM_006206.6(PDGFRA):c.405T>C (p.Asp135=)

Gene: PDGFRA (platelet derived growth factor receptor alpha; plus strand). Cytogenetic location: 4q12.
Variant type: single nucleotide variant.
Coding change: c.405T>C on transcript NM_006206.6 (MANE Select); coding-DNA position 405, T replaced by C.
Protein change: p.Asp135=; no amino-acid change (aspartic acid 135 retained).
Molecular consequence: synonymous variant.
Genome position (GRCh38, 1-based): chr4:54,263,704, T>C. VCF-style: chr4-54263704-T-C. GRCh37 (hg19) VCF-style: chr4-55129871-T-C.
Other names: c.405T>C (NM_006206.5); c.405T>C, p.Asp135= (NM_001347827.2, NM_001347829.2); c.480T>C, p.Asp160= (NM_001347828.2); c.444T>C, p.Asp148= (NM_001347830.2).
Identifiers: ClinVar variation 459099 (VCV000459099.13), dbSNP rs766197882, ClinGen allele CA439408679.